The following is an entry in ClinVar:

ClinVar aggregate classification (germline): Uncertain significance (1 of 4 stars; one submission).

gnomAD v4.1: 10 of 1,613,442 alleles (0.00062%); highest among the groups gnomAD compares: East Asian, 0.0089%; no homozygotes.

Submission:

Labcorp Genetics (formerly Invitae), Labcorp
Classification: Uncertain significance. Last evaluated: 2026-01-02. Review status: criteria provided, single submitter. Criteria: Invitae Variant Classification Sherloc (09022015). Collection method: clinical testing. Allele origin: germline.
Comment: This sequence change replaces serine, which is neutral and polar, with threonine, which is neutral and polar, at codon 212 of the DNAH9 protein (p.Ser212Thr). This variant is not present in population databases (gnomAD no frequency). This variant has not been reported in the literature in individuals affected with DNAH9-related conditions. An algorithm developed to predict the effect of missense changes on protein structure and function (PolyPhen-2) suggests that this variant is likely to be tolerated. In summary, the available evidence is currently insufficient to determine the role of this variant in disease. Therefore, it has been classified as a Variant of Uncertain Significance.

NM_001372.4(DNAH9):c.634T>A (p.Ser212Thr)

Gene: DNAH9 (dynein axonemal heavy chain 9; plus strand). Cytogenetic location: 17p12.
Variant type: single nucleotide variant.
Coding change: c.634T>A on transcript NM_001372.4 (MANE Select); coding-DNA position 634, T replaced by A.
Protein change: p.Ser212Thr; replaces serine 212 with threonine.
Molecular consequence: missense variant.
Genome position (GRCh38, 1-based): chr17:11,610,415, T>A. VCF-style: chr17-11610415-T-A. GRCh37 (hg19) VCF-style: chr17-11513732-T-A.
Other names: short protein forms S212T.
Identifiers: ClinVar variation 4780922 (VCV004780922.1).